The following is an entry in ClinVar:

ClinVar aggregate classification (germline): Benign/Likely benign. Review status: criteria provided, multiple submitters, no conflicts (2 of 4 stars). 4 submissions from 4 submitters: Benign (2); Likely benign (2). Last evaluated 2026-01-27.

Conditions:
Diamond-Blackfan anemia. Also called: Aase syndrome; Blackfan Diamond syndrome; Aregenerative anemia chronic congenital; Red cell aplasia, pure hereditary; Congenital hypoplastic anemia. Identifiers: Orphanet 124, MedGen C1260899, MeSH D029503, MONDO:0015253, HP:0004810.
Diamond-Blackfan anemia 6 (DBA6). Also called: RPL5-Related Diamond-Blackfan Anemia. Identifiers: Orphanet 124, MedGen C2931850, MONDO:0012937, OMIM 612561.

Allele frequency attached by ClinVar (database versions not stated): gnomAD exomes 0.00034; ExAC 0.00038; 1000 Genomes Project 0.00100; gnomAD 0.00152 and 0.00165; 1000 Genomes Project 30x 0.00156; TOPMed 0.00174; ESP Exome Variant Server 0.00215.
gnomAD v4.1: 448 of 1,614,058 alleles (0.028%); highest among the groups gnomAD compares: African/African-American, 0.54%; 1 homozygote.

Submissions (4):

Labcorp Genetics (formerly Invitae), Labcorp
Classification: Benign for Diamond-Blackfan anemia. Last evaluated: 2026-01-27. Review status: criteria provided, single submitter. Criteria: Invitae Variant Classification Sherloc (09022015). Collection method: clinical testing. Allele origin: germline.

Blueprint Genetics
Classification: Likely benign. Last evaluated: 2023-03-31. Review status: criteria provided, single submitter. Criteria: ACMG Guidelines, 2015. Collection method: clinical testing. Allele origin: germline.

Fulgent Genetics
Classification: Likely benign for Diamond-Blackfan anemia 6. Last evaluated: 2021-07-30. Review status: criteria provided, single submitter. Criteria: ACMG Guidelines, 2015. Collection method: clinical testing. Allele origin: unknown.

Illumina Laboratory Services, Illumina
Classification: Benign for Diamond-Blackfan anemia 6. Last evaluated: 2018-01-13. Review status: criteria provided, single submitter. Criteria: ICSL Variant Classification Criteria 13 December 2019. Collection method: clinical testing. Allele origin: germline.
Comment: This variant was observed in the ICSL laboratory as part of a predisposition screen in an ostensibly healthy population. It had not been previously curated by ICSL or reported in the Human Gene Mutation Database (HGMD: prior to June 1st, 2018), and was therefore a candidate for classification through an automated scoring system. Utilizing variant allele frequency, disease prevalence and penetrance estimates, and inheritance mode, an automated score was calculated to assess if this variant is too frequent to cause the disease. Based on the score and internal cut-off values, a variant classified as benign is not then subjected to further curation. The score for this variant resulted in a classification of benign for this disease.

NM_000969.5(RPL5):c.3+13C>T

Gene: RPL5 (ribosomal protein L5; plus strand). Cytogenetic location: 1p22.1.
Variant type: single nucleotide variant.
Coding change: c.3+13C>T on transcript NM_000969.5 (MANE Select); 13 bases into the intron after coding-DNA position 3, C replaced by T.
Molecular consequence: intron variant.
Genome position (GRCh38, 1-based): chr1:92,832,130, C>T. VCF-style: chr1-92832130-C-T. GRCh37 (hg19) VCF-style: chr1-93297687-C-T.
Other names: c.3+13C>T (LRG_1155t1).
Identifiers: ClinVar variation 298208 (VCV000298208.22), dbSNP rs189107197, ClinGen allele CA952298.